The following is an entry in ClinVar:

ClinVar aggregate classification (germline): Uncertain significance (1 of 4 stars; one submission).

Conditions:
Atrial standstill 1 (ATRST1). Also called: ATRIAL CARDIOMYOPATHY WITH HEART BLOCK; CARDIOMYOPATHY, FAMILIAL, WITH CONDUCTION DISTURBANCE; Atrial standstill, digenic (GJA5/SCN5A). Identifiers: Orphanet 1344, MedGen C4551959, MONDO:0007171, OMIM 108770.
Atrial fibrillation, familial, 11 (ATFB11). Identifiers: MedGen C3279693, MONDO:0013544, OMIM 614049.

gnomAD v4.1: 2 of 1,614,216 alleles (0.00012%); highest among the groups gnomAD compares: Non-Finnish European, 0.00017%; no homozygotes.

Submission:

Labcorp Genetics (formerly Invitae), Labcorp
Classification: Uncertain significance for Atrial fibrillation, familial, 11; Atrial standstill 1. Last evaluated: 2022-10-03. Review status: criteria provided, single submitter. Criteria: Invitae Variant Classification Sherloc (09022015). Collection method: clinical testing. Allele origin: germline.
Comment: ClinVar contains an entry for this variant (Variation ID: 1445217). This variant has not been reported in the literature in individuals affected with GJA5-related conditions. This variant is present in population databases (rs781831348, gnomAD 0.0009%). This sequence change replaces serine, which is neutral and polar, with cysteine, which is neutral and slightly polar, at codon 122 of the GJA5 protein (p.Ser122Cys). Advanced modeling of protein sequence and biophysical properties (such as structural, functional, and spatial information, amino acid conservation, physicochemical variation, residue mobility, and thermodynamic stability) performed at Invitae indicates that this missense variant is not expected to disrupt GJA5 protein function. In summary, the available evidence is currently insufficient to determine the role of this variant in disease. Therefore, it has been classified as a Variant of Uncertain Significance.

NM_181703.4(GJA5):c.365C>G (p.Ser122Cys)

Gene: GJA5 (gap junction protein alpha 5; minus strand). Cytogenetic location: 1q21.2.
Variant type: single nucleotide variant.
Coding change: c.365C>G on transcript NM_181703.4 (MANE Select); coding-DNA position 365, C replaced by G.
Protein change: p.Ser122Cys; replaces serine 122 with cysteine.
Molecular consequence: missense variant.
Genome position (GRCh38, 1-based): chr1:147,758,874, G>C on the plus strand (C>G on the coding strand, the complement: GJA5 is on the minus strand). VCF-style: chr1-147758874-G-C. GRCh37 (hg19) VCF-style: chr1-147230982-G-C.
Other names: c.365C>G, p.Ser122Cys (NM_005266.7); short protein forms S122C.
Identifiers: ClinVar variation 1445217 (VCV001445217.8), dbSNP rs781831348, ClinGen allele CA1065779.